The following is an entry in ClinVar:

ClinVar aggregate classification (germline): Pathogenic/Likely pathogenic. Review status: criteria provided, multiple submitters, no conflicts (2 of 4 stars). 2 submissions from 2 submitters: Pathogenic (1); Likely pathogenic (1). Last evaluated 2023-03-10.

Submissions (2):

Labcorp Genetics (formerly Invitae), Labcorp
Classification: Pathogenic. Last evaluated: 2023-03-10. Review status: criteria provided, single submitter. Criteria: Invitae Variant Classification Sherloc (09022015). Collection method: clinical testing. Allele origin: germline.
Comment: This sequence change creates a premature translational stop signal (p.Gly831Aspfs*50) in the COL2A1 gene. It is expected to result in an absent or disrupted protein product. Loss-of-function variants in COL2A1 are known to be pathogenic (PMID: 20179744). The frequency data for this variant in the population databases is considered unreliable, as metrics indicate poor data quality at this position in the gnomAD database. This variant has not been reported in the literature in individuals affected with COL2A1-related conditions. ClinVar contains an entry for this variant (Variation ID: 847312). For these reasons, this variant has been classified as Pathogenic.

GeneDx
Classification: Likely pathogenic. Last evaluated: 2021-04-19. Review status: criteria provided, single submitter. Criteria: GeneDx Variant Classification Process June 2021. Collection method: clinical testing. Allele origin: germline. Affected: yes.
Comment: Frameshift variant predicted to result in protein truncation or nonsense mediated decay in a gene for which loss-of-function is a known mechanism of disease; Not observed at a significant frequency in large population cohorts (Lek et al., 2016); Has not been previously published as pathogenic or benign to our knowledge

Literature cited by the submitters: PubMed 20179744 (cited by Labcorp Genetics (formerly Invitae), Labcorp).

NM_001844.5(COL2A1):c.2490del (p.Gly831fs)

Gene: COL2A1 (collagen type II alpha 1 chain; minus strand). Cytogenetic location: 12q13.11.
Variant type: Deletion.
Coding change: c.2490del on transcript NM_001844.5 (MANE Select); coding-DNA position 2490, one base deleted (C; older notation c.2490delC).
Protein change: p.Gly831fs; shifts the reading frame from glycine 831.
Molecular consequence: frameshift variant.
Genome position (GRCh38, 1-based): chr12:47,980,942, G deleted on the plus strand (C on the coding strand, the reverse complement: COL2A1 is on the minus strand); the first of 6 consecutive G bases (chr12:47,980,942-47,980,947); deleting any one gives the same sequence. VCF-style (leftmost placement, unchanged base first): chr12-47980941-CG-C. GRCh37 (hg19) VCF-style: chr12-48374724-CG-C.
Other names: c.2283del, p.Gly762fs (NM_033150.3); short protein forms G831fs, G762fs.
Identifiers: ClinVar variation 847312 (VCV000847312.9), dbSNP rs1273496827, ClinGen allele CA604849584.